The following is an entry in ClinVar:

NM_001363711.2(DUOX2):c.3820G>A (p.Val1274Met)

Gene: DUOX2 (dual oxidase 2; minus strand). Cytogenetic location: 15q21.1.
Variant type: single nucleotide variant.
Coding change: c.3820G>A on transcript NM_001363711.2 (MANE Select); coding-DNA position 3820, G replaced by A.
Protein change: p.Val1274Met; replaces valine 1274 with methionine.
Molecular consequence: missense variant.
Genome position (GRCh38, 1-based): chr15:45,097,265, C>T on the plus strand (G>A on the coding strand, the complement: DUOX2 is on the minus strand). VCF-style: chr15-45097265-C-T. GRCh37 (hg19) VCF-style: chr15-45389463-C-T.
Other names: c.3820G>A, p.Val1274Met (NM_014080.5); short protein forms V1274M.
Identifiers: ClinVar variation 316144 (VCV000316144.6), dbSNP rs764364832, ClinGen allele CA7537722.
Genomic context (GRCh38, chr15:45,097,265, plus strand): 5'-CGCTCCCGACCCAGGTCAGGCTGGGCCTGATACCTGAGGGCAGCAGCTCCGCCTTCACCA[C>T]GCTGATCTCCACCTTCTTCCGGCTCAGGCTCACCAGCTTGTCACCTCCATAGATGATTGC-3'
Protein context (NP_001350640.1, residues 1264-1284): SLSRKKVEIS[Val1274Met]VKAELLPSGV

ClinVar aggregate classification (germline): Uncertain significance. Review status: criteria provided, multiple submitters, no conflicts (2 of 4 stars). 2 submissions from 2 submitters: Uncertain significance (2). Last evaluated 2024-12-10.

Conditions:
Thyroid dyshormonogenesis 6 (TDH6). Also called: THYROID HORMONOGENESIS, GENETIC DEFECT IN, 6; Genetic transient congenital hypothyroidism; HYPOTHYROIDISM, CONGENITAL, DUE TO DYSHORMONOGENESIS, 6. Identifiers: Orphanet 226316, Orphanet 95716, MedGen C1846632, MONDO:0011792, OMIM 607200.

Allele frequency attached by ClinVar (database versions not stated): ExAC 0.00002; TOPMed 0.00003; gnomAD 0.00005 and 0.00006; gnomAD exomes 0.00006.
gnomAD v4.1: 100 of 1,614,120 alleles (0.0062%); highest among the groups gnomAD compares: Non-Finnish European, 0.0078%; 1 homozygote.

Submissions (2):

Labcorp Genetics (formerly Invitae), Labcorp
Classification: Uncertain significance. Last evaluated: 2024-12-10. Review status: criteria provided, single submitter. Criteria: Invitae Variant Classification Sherloc (09022015). Collection method: clinical testing. Allele origin: germline.
Comment: This sequence change replaces valine, which is neutral and non-polar, with methionine, which is neutral and non-polar, at codon 1274 of the DUOX2 protein (p.Val1274Met). This variant is present in population databases (rs764364832, gnomAD 0.01%). This variant has not been reported in the literature in individuals affected with DUOX2-related conditions. ClinVar contains an entry for this variant (Variation ID: 316144). Invitae Evidence Modeling of protein sequence and biophysical properties (such as structural, functional, and spatial information, amino acid conservation, physicochemical variation, residue mobility, and thermodynamic stability) indicates that this missense variant is expected to disrupt DUOX2 protein function with a positive predictive value of 80%. In summary, the available evidence is currently insufficient to determine the role of this variant in disease. Therefore, it has been classified as a Variant of Uncertain Significance.

Illumina Laboratory Services, Illumina
Classification: Uncertain significance for Thyroid dyshormonogenesis 6. Last evaluated: 2018-01-12. Review status: criteria provided, single submitter. Criteria: ICSL Variant Classification Criteria 13 December 2019. Collection method: clinical testing. Allele origin: germline.